The following is an entry in ClinVar:

ClinVar aggregate classification (germline): Uncertain significance (1 of 4 stars; one submission).

gnomAD v4.1: 1 of 1,614,098 alleles (0.000062%); highest among the groups gnomAD compares: Non-Finnish European, 0.000085%; no homozygotes.

Submission:

Labcorp Genetics (formerly Invitae), Labcorp
Classification: Uncertain significance. Last evaluated: 2025-12-23. Review status: criteria provided, single submitter. Criteria: Invitae Variant Classification Sherloc (09022015). Collection method: clinical testing. Allele origin: germline.
Comment: This sequence change replaces glycine, which is neutral and non-polar, with aspartic acid, which is acidic and polar, at codon 93 of the TAOK2 protein (p.Gly93Asp). This variant is not present in population databases (gnomAD no frequency). This variant has not been reported in the literature in individuals affected with TAOK2-related conditions. An algorithm developed to predict the effect of missense changes on protein structure and function (PolyPhen-2) suggests that this variant is likely to be disruptive. In summary, the available evidence is currently insufficient to determine the role of this variant in disease. Therefore, it has been classified as a Variant of Uncertain Significance.

NM_016151.4(TAOK2):c.278G>A (p.Gly93Asp)

Gene: TAOK2 (TAO kinase 2; plus strand). Cytogenetic location: 16p11.2.
Variant type: single nucleotide variant.
Coding change: c.278G>A on transcript NM_016151.4 (MANE Select); coding-DNA position 278, G replaced by A.
Protein change: p.Gly93Asp; replaces glycine 93 with aspartic acid.
Molecular consequence: missense variant.
Genome position (GRCh38, 1-based): chr16:29,978,325, G>A. VCF-style: chr16-29978325-G-A. GRCh37 (hg19) VCF-style: chr16-29989646-G-A.
Other names: c.278G>A, p.Gly93Asp (NM_001252043.2, NM_004783.4); short protein forms G93D.
Identifiers: ClinVar variation 4797317 (VCV004797317.1).